The following is an entry in ClinVar:

ClinVar aggregate classification (germline): Likely benign (1 of 4 stars; one submission).

Allele frequency attached by ClinVar (database versions not stated): 1000 Genomes Project 0.00715.

Submission:

CeGaT Center for Human Genetics Tuebingen
Classification: Likely benign. Last evaluated: 2022-09-01. Review status: criteria provided, single submitter. Criteria: CeGaT Center For Human Genetics Tuebingen Variant Classification Criteria Version 2. Collection method: clinical testing. Allele origin: germline. Affected: yes. Observed: 2 variant alleles.
Comment: DCAF8L2: BP4, BP7

NM_001353450.2(DCAF8L2):c.435A>G (p.Glu145=)

Gene: DCAF8L2 (DDB1 and CUL4 associated factor 8 like 2; plus strand). Cytogenetic location: Xp21.3.
Variant type: single nucleotide variant.
Coding change: c.435A>G on transcript NM_001353450.2 (MANE Select); coding-DNA position 435, A replaced by G.
Protein change: p.Glu145=; no amino-acid change (glutamic acid 145 retained).
Molecular consequence: synonymous variant.
Genome position (GRCh38, 1-based): chrX:27,747,330, A>G. VCF-style: chrX-27747330-A-G. GRCh37 (hg19) VCF-style: chrX-27765447-A-G.
Other names: c.435A>G, p.Glu145= (NM_001353448.2, NM_001353449.2).
Identifiers: ClinVar variation 2660214 (VCV002660214.24), dbSNP rs751450520, ClinGen allele CA328071141.